The following is an entry in ClinVar:

ClinVar aggregate classification (germline): Conflicting classifications of pathogenicity. Review status: criteria provided, conflicting classifications (1 of 4 stars). 4 submissions from 4 submitters: Likely pathogenic (3); Uncertain significance (1). Last evaluated 2024-03-01.

Conditions:
DNM1-related disorder. Also called: DNM1-related condition.
DNM1-related disorders.
Developmental and epileptic encephalopathy, 31A. Also called: Epileptic encephalopathy, early infantile, 31; Developmental and epileptic encephalopathy, 31. Identifiers: Orphanet 2382, MedGen C4225357, MONDO:0014598, OMIM 616346.

Submissions (4):

GeneDx
Classification: Likely pathogenic. Last evaluated: 2024-03-01. Review status: criteria provided, single submitter. Criteria: GeneDx Variant Classification Process June 2021. Collection method: clinical testing. Allele origin: germline. Affected: yes.
Comment: Not observed at significant frequency in large population cohorts (gnomAD); In silico analysis supports that this missense variant has a deleterious effect on protein structure/function; Has not been previously published as pathogenic or benign to our knowledge

Blueprint Genetics
Classification: Likely pathogenic for DNM1-related disorders. Last evaluated: 2023-09-04. Review status: criteria provided, single submitter. Criteria: ACMG Guidelines, 2015. Collection method: clinical testing. Allele origin: germline. Affected: yes. Observed: 2 variant alleles.

PreventionGenetics, part of Exact Sciences
Classification: Uncertain significance for DNM1-related condition. Last evaluated: 2022-11-30. Review status: criteria provided, single submitter. Criteria: ACMG Guidelines, 2015. Collection method: clinical testing. Allele origin: germline.
Comment: The DNM1 c.604G>A variant is predicted to result in the amino acid substitution p.Gly202Arg. To our knowledge, this variant has not been reported in the literature or in a large population database, indicating this variant is rare. At this time, the clinical significance of this variant is uncertain due to the absence of conclusive functional and genetic evidence.

Labcorp Genetics (formerly Invitae), Labcorp
Classification: Likely pathogenic for Developmental and epileptic encephalopathy, 31A. Last evaluated: 2020-11-17. Review status: criteria provided, single submitter. Criteria: Invitae Variant Classification Sherloc (09022015). Collection method: clinical testing. Allele origin: germline.
Comment: This variant has been observed in individual(s) with clinical features of DNM1-related conditions (Invitae). In at least one individual the variant was observed to be de novo. ClinVar contains an entry for this variant (Variation ID: 392616). This sequence change replaces glycine with arginine at codon 202 of the DNM1 protein (p.Gly202Arg). The glycine residue is highly conserved and there is a moderate physicochemical difference between glycine and arginine. This variant is not present in population databases (ExAC no frequency). Algorithms developed to predict the effect of missense changes on protein structure and function (SIFT, PolyPhen-2, Align-GVGD) all suggest that this variant is likely to be disruptive, but these predictions have not been confirmed by published functional studies and their clinical significance is uncertain. In summary, the currently available evidence indicates that the variant is pathogenic, but additional data are needed to prove that conclusively. Therefore, this variant has been classified as Likely Pathogenic.

NM_004408.4(DNM1):c.604G>A (p.Gly202Arg)

Gene: DNM1 (dynamin 1; plus strand). Cytogenetic location: 9q34.11.
Variant type: single nucleotide variant.
Coding change: c.604G>A on transcript NM_004408.4 (MANE Select); coding-DNA position 604, G replaced by A.
Protein change: p.Gly202Arg; replaces glycine 202 with arginine.
Molecular consequence: missense variant.
Genome position (GRCh38, 1-based): chr9:128,220,002, G>A. VCF-style: chr9-128220002-G-A. GRCh37 (hg19) VCF-style: chr9-130982281-G-A.
Other names: c.604G>A, p.Gly202Arg (NM_001005336.3, NM_001288737.2, NM_001288738.2 and 1 more transcripts); short protein forms G202R.
Identifiers: ClinVar variation 392616 (VCV000392616.14), dbSNP rs1057524561, ClinGen allele CA16605486.